The following is an entry in ClinVar:

ClinVar aggregate classification (germline): Likely benign. Review status: criteria provided, multiple submitters, no conflicts (2 of 4 stars). 2 submissions from 2 submitters: Likely benign (2). Last evaluated 2025-10-09.

Conditions:
Congenital myopathy with internal nuclei and atypical cores. Also called: Myopathy, centronuclear, 4. Identifiers: Orphanet 319160, MedGen C4707232, MONDO:0013890, OMIM 614807.
CCDC78-related disorder. Also called: CCDC78-related condition.

Submissions (2):

Labcorp Genetics (formerly Invitae), Labcorp
Classification: Likely benign for Congenital myopathy with internal nuclei and atypical cores. Last evaluated: 2025-10-09. Review status: criteria provided, single submitter. Criteria: Invitae Variant Classification Sherloc (09022015). Collection method: clinical testing. Allele origin: germline.

PreventionGenetics, part of Exact Sciences
Classification: Likely benign for CCDC78-related condition. Last evaluated: 2025-02-11. Review status: criteria provided, single submitter. Criteria: ACMG Guidelines, 2015. Collection method: clinical testing. Allele origin: germline.
Comment: This variant is classified as likely benign based on ACMG/AMP sequence variant interpretation guidelines (Richards et al. 2015 PMID: 25741868, with internal and published modifications).

NM_001378030.1(CCDC78):c.1053+8T>G

Gene: CCDC78 (coiled-coil domain containing 78; minus strand). Cytogenetic location: 16p13.3.
Variant type: single nucleotide variant.
Coding change: c.1053+8T>G on transcript NM_001378030.1 (MANE Select); 8 bases into the intron after coding-DNA position 1053, T replaced by G.
Molecular consequence: intron variant.
Genome position (GRCh38, 1-based): chr16:724,098, A>C on the plus strand (T>G on the coding strand, the complement: CCDC78 is on the minus strand). VCF-style: chr16-724098-A-C. GRCh37 (hg19) VCF-style: chr16-774098-A-C.
Other names: c.486+8T>G (NM_001378033.1); c.953+224T>G (NM_001378031.1); c.1053+8T>G (NM_001031737.3, NM_001031737.2).
Identifiers: ClinVar variation 4724436 (VCV004724436.2).
Genomic context (GRCh38, chr16:724,098, plus strand): 5'-GCCAGTGTGGGGCAGTGGGTGGGTGGGGGGCACCCGGGCCTGGAGCTTCTGGGGGTCTCT[A>C]GCCTCACCTGGTCCTCCCGATGGCTGAAGTCAGTGACCAGGGGCACGGGCAATGGTTCCA-3'